The following is an entry in ClinVar:

ClinVar aggregate classification (germline): Likely benign. Review status: criteria provided, single submitter (1 of 4 stars). 2 submissions from 2 submitters: Likely benign (1). 1 of the submissions does not count toward it. Last evaluated 2026-04-28.

Conditions:
Inborn genetic diseases. Identifiers: MedGen C0950123, MeSH D030342.
CEBPA-related disorder. Also called: CEBPA-related condition.

Submissions (2):

Ambry Genetics
Classification: Likely benign for Inborn genetic diseases. Last evaluated: 2026-04-28. Review status: criteria provided, single submitter. Criteria: Ambry Variant Classification Scheme 2023. Collection method: clinical testing. Allele origin: germline.

PreventionGenetics, part of Exact Sciences
Classification: Likely benign for CEBPA-related condition. Last evaluated: 2023-12-06. Review status: no assertion criteria provided. Collection method: clinical testing. Allele origin: germline. Not counted in ClinVar's aggregate classification.
Comment: This variant is classified as likely benign based on ACMG/AMP sequence variant interpretation guidelines (Richards et al. 2015 PMID: 25741868, with internal and published modifications).

NM_004364.5(CEBPA):c.387C>T (p.Pro129=)

Gene: CEBPA (CCAAT enhancer binding protein alpha; minus strand). Cytogenetic location: 19q13.11.
Variant type: single nucleotide variant.
Coding change: c.387C>T on transcript NM_004364.5 (MANE Select); coding-DNA position 387, C replaced by T.
Protein change: p.Pro129=; no amino-acid change (proline 129 retained).
Molecular consequence: synonymous variant.
Genome position (GRCh38, 1-based): chr19:33,302,028, G>A on the plus strand (C>T on the coding strand, the complement: CEBPA is on the minus strand). VCF-style: chr19-33302028-G-A. GRCh37 (hg19) VCF-style: chr19-33792934-G-A.
Other names: c.30C>T, p.Pro10= (NM_001285829.2); c.492C>T, p.Pro164= (NM_001287424.2); c.345C>T, p.Pro115= (NM_001287435.2).
Identifiers: ClinVar variation 3053984 (VCV003053984.3), dbSNP rs1060504477, ClinGen allele CA507007841.